The following is an entry in ClinVar:

ClinVar aggregate classification (germline): Uncertain significance (1 of 4 stars; one submission).

Submission:

Ambry Genetics
Classification: Uncertain significance. Last evaluated: 2023-11-01. Review status: criteria provided, single submitter. Criteria: Ambry Variant Classification Scheme 2023. Collection method: clinical testing. Allele origin: germline.
Comment: The p.Q25H variant (also known as c.75G>T), located in coding exon 2 of the NPAT gene, results from a G to T substitution at nucleotide position 75. The glutamine at codon 25 is replaced by histidine, an amino acid with highly similar properties. This amino acid position is conserved. In addition, this alteration is predicted to be tolerated by in silico analysis. Since supporting evidence is limited at this time, the clinical significance of this alteration remains unclear.

NM_002519.3(NPAT):c.75G>T (p.Gln25His)

Gene: NPAT (nuclear protein, coactivator of histone transcription; minus strand). Cytogenetic location: 11q22.3.
Variant type: single nucleotide variant.
Coding change: c.75G>T on transcript NM_002519.3 (MANE Select); coding-DNA position 75, G replaced by T.
Protein change: p.Gln25His; replaces glutamine 25 with histidine.
Molecular consequence: missense variant.
Genome position (GRCh38, 1-based): chr11:108,197,383, C>A on the plus strand (G>T on the coding strand, the complement: NPAT is on the minus strand). VCF-style: chr11-108197383-C-A. GRCh37 (hg19) VCF-style: chr11-108068110-C-A.
Other names: c.75G>T, p.Gln25His (NM_001321307.1); short protein forms Q25H.
Identifiers: ClinVar variation 3222642 (VCV003222642.1), dbSNP rs2496760214, ClinGen allele CA382528560.
Genomic context (GRCh38, chr11:108,197,383, plus strand): 5'-CCCTTCATCTGTACAATGTTCTGCATATTCTTTTAAATCTGAACTTTCCAAAATAAAAGT[C>A]TGGCAGGTAGAAATGAGGTTTTCTTGCTGTAAGTAACCTAAATAAAAAATAAAAGTTTAG-3'
Protein context (NP_002510.2, residues 15-35): LQQENLISTC[Gln25His]TFILESSDLK